The following is an entry in ClinVar:

ClinVar aggregate classification (germline): Uncertain significance (1 of 4 stars; one submission).

Conditions:
Hereditary cancer-predisposing syndrome. Also called: Tumor predisposition; Hereditary Cancer Syndrome; Neoplastic Syndromes, Hereditary; Hereditary neoplastic syndrome. Identifiers: Orphanet 140162, MedGen C0027672, MeSH D009386, MONDO:0015356.

gnomAD v4.1: 1 of 1,614,206 alleles (0.000062%); highest among the groups gnomAD compares: Admixed American, 0.0017%; no homozygotes.

Submission:

Ambry Genetics
Classification: Uncertain significance for Hereditary cancer-predisposing syndrome. Last evaluated: 2024-11-05. Review status: criteria provided, single submitter. Criteria: Ambry Variant Classification Scheme 2023. Collection method: clinical testing. Allele origin: germline.
Comment: The p.D2988N variant (also known as c.8962G>A), located in coding exon 61 of the ATM gene, results from a G to A substitution at nucleotide position 8962. The aspartic acid at codon 2988 is replaced by asparagine, an amino acid with highly similar properties. This amino acid position is conserved. In addition, this alteration is predicted to be tolerated by in silico analysis. Based on the available evidence, the clinical significance of this variant remains unclear.

NM_000051.4(ATM):c.8962G>A (p.Asp2988Asn)

Genes: ATM (ATM serine/threonine kinase; plus strand), C11orf65 (chromosome 11 open reading frame 65; minus strand). Cytogenetic location: 11q22.3.
Variant type: single nucleotide variant.
Coding change: c.8962G>A on transcript NM_000051.4 (MANE Select); coding-DNA position 8962, G replaced by A.
Protein change: p.Asp2988Asn; replaces aspartic acid 2988 with asparagine.
Molecular consequence: missense variant. On other transcripts: intron variant (2).
Genome position (GRCh38, 1-based): chr11:108,365,193, G>A. VCF-style: chr11-108365193-G-A. GRCh37 (hg19) VCF-style: chr11-108235920-G-A.
Other names: c.8962G>A, p.Asp2988Asn (NM_001351834.2); c.640+20727C>T (NM_001330368.2); c.694+20727C>T (NM_001351110.2); short protein forms D2988N.
Identifiers: ClinVar variation 3452452 (VCV003452452.1).